The following is an entry in ClinVar:

NM_001042492.3(NF1):c.7568_7615+1494del

Gene: NF1 (neurofibromin 1; plus strand). Cytogenetic location: 17q11.2.
Variant type: Deletion.
Coding change: c.7568_7615+1494del on transcript NM_001042492.3 (MANE Select); coding-DNA position 7568 through 1494 bases into the intron after coding-DNA position 7615, 1,542 bases deleted.
Molecular consequence: splice donor variant.
Genome position (GRCh38, 1-based): chr17:31,352,367-31,353,908, 1,542 bases deleted. GRCh37 (hg19): chr17:29,679,385-29,680,926.
Other names: c.7505_7552+1494del1542 (NM_000267.3); c.7505_7552+1494del (NM_000267.4).
Identifiers: ClinVar variation 1759228 (VCV001759228.3), ClinGen allele CA2580093421.

ClinVar aggregate classification (germline): Uncertain significance (1 of 4 stars; one submission).

Conditions:
Cardiovascular phenotype. Identifiers: MedGen CN230736.
Hereditary cancer-predisposing syndrome. Also called: Neoplastic Syndromes, Hereditary; Tumor predisposition; Hereditary Cancer Syndrome; Hereditary neoplastic syndrome. Identifiers: Orphanet 140162, MedGen C0027672, MeSH D009386, MONDO:0015356.

Submission:

Ambry Genetics
Classification: Uncertain significance for Cardiovascular phenotype; Hereditary cancer-predisposing syndrome. Last evaluated: 2026-04-01. Review status: criteria provided, single submitter. Criteria: Ambry Variant Classification Scheme 2023. Collection method: clinical testing. Allele origin: germline.
Comment: The c.7505_7552+1494del1542 variant results from a deletion of 1542 nucleotides between positions c.7505 and c.7552+1494 and involves the canonical splice donor site after coding exon 50 of the NF1 gene. The canonical splice donor site is highly conserved in available vertebrate species. This variant is considered to be rare based on population cohorts in the Genome Aggregation Database (gnomAD). RNA studies have demonstrated that this alteration results in a transcript predicted to lead to a protein with an in-frame deletion of 16 amino acids and insertion of 10 amino acids; however, the exact functional impact of the deleted/inserted amino acids are unknown at this time (Ambry internal data). Since supporting evidence is limited at this time, the clinical significance of this alteration remains unclear.